The following is an entry in ClinVar:

NM_000255.4(MMUT):c.1421G>C (p.Arg474Pro)

Gene: MMUT (methylmalonyl-CoA mutase; minus strand). Cytogenetic location: 6p12.3.
Variant type: single nucleotide variant.
Coding change: c.1421G>C on transcript NM_000255.4 (MANE Select); coding-DNA position 1421, G replaced by C.
Protein change: p.Arg474Pro; replaces arginine 474 with proline.
Molecular consequence: missense variant.
Genome position (GRCh38, 1-based): chr6:49,448,839, C>G on the plus strand (G>C on the coding strand, the complement: MMUT is on the minus strand). VCF-style: chr6-49448839-C-G. GRCh37 (hg19) VCF-style: chr6-49416552-C-G.
Other names: short protein forms R474P.
Identifiers: ClinVar variation 1363055 (VCV001363055.10), dbSNP rs368746965, ClinGen allele CA364397942.
Genomic context (GRCh38, chr6:49,448,839, plus strand): 5'-TACTGGATTTCATATATGAACTTTCTCACTATCTTACCAGAATCTATTCTAGCTTGTCTT[C>G]GGGCAGCACATTCTTCAATTCGAAGTTTAGGTATTCCCTCAGCTACAGCTTTGGCCATTC-3'
Protein context (NP_000246.2, residues 464-484): PKLRIEECAA[Arg474Pro]RQARIDSGSE

ClinVar aggregate classification (germline): Conflicting classifications of pathogenicity. Review status: criteria provided, conflicting classifications (1 of 4 stars). 3 submissions from 3 submitters: Likely pathogenic (2); Uncertain significance (1). Last evaluated 2025-10-07.

Conditions:
Methylmalonic acidemia (MMA). Also called: Isolated Methylmalonic Acidemia. Identifiers: MedGen C0268583, MeSH C537358, MONDO:0002012, HP:0002912.
Methylmalonic aciduria due to methylmalonyl-CoA mutase deficiency (MAMM). Also called: Methylmalonic aciduria, mut type. Identifiers: Orphanet 27, MedGen C1855114, MONDO:0009612, OMIM 251000.

gnomAD v4.1: 17 of 1,613,140 alleles (0.0011%); highest among the groups gnomAD compares: Admixed American, 0.0033%; no homozygotes.

Submissions (3):

Women's Health and Genetics/Laboratory Corporation of America, LabCorp
Classification: Likely pathogenic for Methylmalonic acidemia. Last evaluated: 2025-10-07. Review status: criteria provided, single submitter. Criteria: LabCorp Variant Classification Summary - May 2015. Collection method: clinical testing. Allele origin: germline.
Comment: Variant summary: MMUT c.1421G>C (p.Arg474Pro) results in a non-conservative amino acid change in the encoded protein sequence. Algorithms developed to predict the effect of missense changes on protein structure and function all suggest that this variant is likely to be disruptive. The variant allele was found at a frequency of 1.1e-05 in 1613140 control chromosomes. This frequency is not significantly higher than estimated for disease-causing variants in MMUT, allowing no conclusion about variant significance. c.1421G>C has been observed in individual(s) affected with Methylmalonic Acidemia (Horster_2021, internal data) and at least one individual with a positive newborn screening result (Adhikari_2020). These data indicate that the variant is likely to be associated with disease. To our knowledge, no experimental evidence demonstrating an impact on protein function has been reported. The following publications have been ascertained in the context of this evaluation (PMID: 32778825, 32754920). ClinVar contains an entry for this variant (Variation ID: 1363055). Based on the evidence outlined above, the variant was classified as likely pathogenic.

Labcorp Genetics (formerly Invitae), Labcorp
Classification: Likely pathogenic. Last evaluated: 2024-02-14. Review status: criteria provided, single submitter. Criteria: Invitae Variant Classification Sherloc (09022015). Collection method: clinical testing. Allele origin: germline.
Comment: This sequence change replaces arginine, which is basic and polar, with proline, which is neutral and non-polar, at codon 474 of the MUT protein (p.Arg474Pro). This variant is present in population databases (no rsID available, gnomAD 0.006%). This missense change has been observed in individual(s) with methylmalonic aciduria (PMID: 32754920; Invitae). In at least one individual the data is consistent with being in trans (on the opposite chromosome) from a pathogenic variant. ClinVar contains an entry for this variant (Variation ID: 1363055). Advanced modeling of protein sequence and biophysical properties (such as structural, functional, and spatial information, amino acid conservation, physicochemical variation, residue mobility, and thermodynamic stability) performed at Invitae indicates that this missense variant is expected to disrupt MUT protein function with a positive predictive value of 95%. In summary, the currently available evidence indicates that the variant is pathogenic, but additional data are needed to prove that conclusively. Therefore, this variant has been classified as Likely Pathogenic.

Fulgent Genetics
Classification: Uncertain significance for Methylmalonic aciduria due to methylmalonyl-CoA mutase deficiency. Last evaluated: 2021-09-09. Review status: criteria provided, single submitter. Criteria: ACMG Guidelines, 2015. Collection method: clinical testing. Allele origin: unknown.

Literature cited by the submitters: PubMed 32778825 (cited by Women's Health and Genetics/Laboratory Corporation of America, LabCorp); PubMed 32754920 (cited by Women's Health and Genetics/Laboratory Corporation of America, LabCorp and Labcorp Genetics (formerly Invitae), Labcorp).